The following is an entry in ClinVar:

NM_033118.4(MYLK2):c.473+1G>A

Gene: MYLK2 (myosin light chain kinase 2; plus strand). Cytogenetic location: 20q11.21.
Variant type: single nucleotide variant.
Coding change: c.473+1G>A on transcript NM_033118.4 (MANE Select); the canonical splice donor site of the intron after coding-DNA position 473, G replaced by A.
Molecular consequence: splice donor variant.
Genome position (GRCh38, 1-based): chr20:31,820,547, G>A. VCF-style: chr20-31820547-G-A. GRCh37 (hg19) VCF-style: chr20-30408350-G-A.
Identifiers: ClinVar variation 953483 (VCV000953483.8), dbSNP rs2062247669, ClinGen allele CA408525674.

ClinVar aggregate classification (germline): Uncertain significance (1 of 4 stars; one submission).

Conditions:
Hypertrophic cardiomyopathy 1 (CMH1). Also called: Familial hypertrophic cardiomyopathy 1; MYH7-Related Familial Hypertrophic Cardiomyopathy. Identifiers: MedGen C3495498, MONDO:0008647, OMIM 192600.

Submission:

Labcorp Genetics (formerly Invitae), Labcorp
Classification: Uncertain significance for Hypertrophic cardiomyopathy 1. Last evaluated: 2019-07-26. Review status: criteria provided, single submitter. Criteria: Invitae Variant Classification Sherloc (09022015). Collection method: clinical testing. Allele origin: germline.
Comment: This variant has not been reported in the literature in individuals with MYLK2-related conditions. In summary, the available evidence is currently insufficient to determine the role of this variant in disease. Therefore, it has been classified as a Variant of Uncertain Significance. The current clinical and genetic evidence is not sufficient to establish whether loss-of-function variants in MYLK2 cause disease. This variant is not present in population databases (ExAC no frequency). This sequence change affects a donor splice site in intron 3 of the MYLK2 gene. It is expected to disrupt RNA splicing and likely results in an absent or disrupted protein product.